The following is an entry in ClinVar:

NM_000166.6(GJB1):c.548G>A (p.Arg183His)

Gene: GJB1 (gap junction protein beta 1; plus strand). Cytogenetic location: Xq13.1.
Variant type: single nucleotide variant.
Coding change: c.548G>A on transcript NM_000166.6 (MANE Select); coding-DNA position 548, G replaced by A.
Protein change: p.Arg183His; replaces arginine 183 with histidine.
Molecular consequence: missense variant.
Genome position (GRCh38, 1-based): chrX:71,224,255, G>A. VCF-style: chrX-71224255-G-A. GRCh37 (hg19) VCF-style: chrX-70444105-G-A.
Other names: c.548G>A, p.Arg183His (NM_001097642.3); short protein forms R183H.
Identifiers: ClinVar variation 447435 (VCV000447435.58), dbSNP rs1555937233, ClinGen allele CA413503111.
Genomic context (GRCh38, chrX:71,224,255, plus strand): 5'-TGCGGCTGGTCAAGTGCGACGTCTACCCCTGCCCCAACACAGTGGACTGCTTCGTGTCCC[G>A]CCCCACCGAGAAAACCGTCTTCACCGTCTTCATGCTAGCTGCCTCTGGCATCTGCATCAT-3'
Protein context (NP_000157.1, residues 173-193): CPNTVDCFVS[Arg183His]PTEKTVFTVF

ClinVar aggregate classification (germline): Pathogenic. Review status: criteria provided, multiple submitters, no conflicts (2 of 4 stars). 8 submissions from 8 submitters: Pathogenic (7). 1 of the submissions does not count toward it. Last evaluated 2026-06-01.

Conditions:
Inborn genetic diseases. Identifiers: MedGen C0950123, MeSH D030342.
Charcot-Marie-Tooth disease. Also called: Charcot-Marie-Tooth Neuropathy; Charcot-Marie-Tooth Hereditary Neuropathy. Identifiers: Orphanet 166, MedGen C0007959, MONDO:0015626.
GJB1-related disorder. Also called: GJB1-related condition; GJB1-related disorders.
Charcot-Marie-Tooth Neuropathy X. Identifiers: MedGen CN118851.
Charcot-Marie-Tooth disease X-linked dominant 1. Also called: HEREDITARY MOTOR AND SENSORY NEUROPATHY, X-LINKED; HMSN, X-LINKED; X-linked Charcot-Marie-Tooth disease type 1; GJB1 Disorders: Charcot-Marie-Tooth Neuropathy (CMT1X) and Central Nervous System Phenotypes; CHARCOT-MARIE-TOOTH NEUROPATHY, X-LINKED, 1; CHARCOT-MARIE-TOOTH PERONEAL MUSCULAR ATROPHY, X-LINKED. Identifiers: Orphanet 101075, MedGen C0393808, MONDO:0010549, OMIM 302800.

Allele frequency attached by ClinVar (database versions not stated): gnomAD exomes below 0.00001.
gnomAD v4.1: 1 of 1,198,444 alleles (0.000083%); highest among the groups gnomAD compares: Non-Finnish European, 0.00011%; no homozygotes.

Submissions (8):

CeGaT Center for Human Genetics Tuebingen
Classification: Pathogenic. Last evaluated: 2026-06-01. Review status: criteria provided, single submitter. Criteria: CeGaT Center For Human Genetics Tuebingen Variant Classification Criteria Version 2. Collection method: clinical testing. Allele origin: germline. Affected: yes. Observed: 2 variant alleles.
Comment: GJB1: PS4, PM1, PM2, PM5, PS3:Supporting

Labcorp Genetics (formerly Invitae), Labcorp
Classification: Pathogenic for Charcot-Marie-Tooth Neuropathy X. Last evaluated: 2025-12-13. Review status: criteria provided, single submitter. Criteria: Invitae Variant Classification Sherloc (09022015). Collection method: clinical testing. Allele origin: germline.
Comment: This sequence change replaces arginine, which is basic and polar, with histidine, which is basic and polar, at codon 183 of the GJB1 protein (p.Arg183His). This variant is not present in population databases (gnomAD no frequency). This missense change has been observed in individuals with Charcot-Marie-Tooth disease, type X (PMID: 9187667, 14960772, 15719046, 27027447, 27844031, 28469099). ClinVar contains an entry for this variant (Variation ID: 447435). Invitae Evidence Modeling of protein sequence and biophysical properties (such as structural, functional, and spatial information, amino acid conservation, physicochemical variation, residue mobility, and thermodynamic stability) has been performed for this missense variant. However, the output from this modeling did not meet the statistical confidence thresholds required to predict the impact of this variant on GJB1 protein function. Experimental studies have shown that this missense change affects GJB1 function (PMID: 12111842, 27844031). This variant disrupts the p.Arg183 amino acid residue in GJB1. Other variant(s) that disrupt this residue have been determined to be pathogenic (PMID: 9187667, 11271367, 12111842). This suggests that this residue is clinically significant, and that variants that disrupt this residue are likely to be disease-causing. For these reasons, this variant has been classified as Pathogenic.

Natera, Inc.
Classification: Pathogenic for Charcot-Marie-Tooth disease. Last evaluated: 2025-04-01. Review status: criteria provided, single submitter. Criteria: Natera Variant Classification Schema (03/2026). Collection method: clinical testing. Allele origin: germline.
Comment: The c.548G>A variant in GJB1 is a missense variant predicted to cause substitution of arginine to histidine at amino acid 183. This variant is rare in the general population with a frequency below the threshold expected for the associated phenotype(s). This variant has been observed in affected individual(s) with monoallelic occurrence (heterozygous/hemizygous) (PMID: 17100997, 15719046, 14960772, 33136338, 35936615, 28469099, 27844031, 28448691, 12477701, 10737979, 9187667). This variant has been observed to segregate in affected family members (PMID: 17100997, 15719046). Computational prediction algorithms indicate this variant is likely to affect gene or protein function. Given the available evidence, this variant is classified as Pathogenic.

Blueprint Genetics
Classification: Pathogenic for GJB1-related disorders. Last evaluated: 2022-11-15. Review status: criteria provided, single submitter. Criteria: ACMG Guidelines, 2015. Collection method: clinical testing. Allele origin: germline. Affected: yes. Observed: 1 variant allele.

Mendelics
Classification: Pathogenic for Charcot-Marie-Tooth disease X-linked dominant 1. Last evaluated: 2022-05-04. Review status: criteria provided, single submitter. Criteria: Mendelics Assertion Criteria 2019. Collection method: clinical testing. Allele origin: germline.

Ambry Genetics
Classification: Pathogenic for Inborn genetic diseases. Last evaluated: 2022-01-03. Review status: criteria provided, single submitter. Criteria: Ambry Variant Classification Scheme 2023. Collection method: clinical testing. Allele origin: germline.
Comment: The p.R183H pathogenic mutation (also known as c.548G>A), located in coding exon 1 of the GJB1 gene, results from a G to A substitution at nucleotide position 548. The arginine at codon 183 is replaced by histidine, an amino acid with highly similar properties. This alteration has been detected in multiple individuals with Charcot-Marie-Tooth neuropathy X type 1 (CMTX1) in several different families of various origin (Bort S et al. Hum Genet, 1997 Jun;99:746-54; Mersiyanova IV et al. Hum Mutat, 2000;15:340-7; Hattori N et al. Brain, 2003 Jan;126:134-51; Chen CX et al. Ann Clin Transl Neurol, 2020 12;7:2381-2392; Kochaski A et al. J Appl Genet, 2004;45:95-100; Niu J et al. Front Neurol, 2019 Jan;10:1406; Chen B et al. Clin Neurol Neurosurg, 2019 Sep;184:105430; Lu YY et al. Chin Med J (Engl), 2017 May;130:1049-1054; Zhang RX et al. Beijing Da Xue Xue Bao Yi Xue Ban, 2005 Feb;37:68-71; Hong YB et al. J Peripher Nerv Syst, 2017 09;22:172-181; Casasnovas C et al. Clin Genet, 2006 Dec;70:516-23; Micheau P et al. Ann Chir Plast, 1975;20:311-8). Experimental studies show this alteration led to abnormal protein function (Kleopa KA et al. J Neurosci Res, 2002 Jun;68:522-34). (Tsai PC et al. Ann Clin Transl Neurol, 2016 11;3:854-865). This variant is considered to be rare based on population cohorts in the Genome Aggregation Database (gnomAD). Based on the supporting evidence, this alteration is interpreted as a disease-causing mutation.

Athena Diagnostics
Classification: Pathogenic. Last evaluated: 2021-03-10. Review status: criteria provided, single submitter. Criteria: Athena Diagnostics criteria. Collection method: clinical testing. Allele origin: unknown.
Comment: This variant has not been reported in large, multi-ethnic general populations. This variant has been identified in multiple unrelated individuals with X-linked Charcot-Marie-Tooth neuropathy, type 1 (CMTX1). At least one other missense variant at this codon is considered to be pathogenic or likely pathogenic, suggesting this variant may also cause disease. Assessment of experimental evidence suggests this variant results in abnormal protein function. This variant causes aberrant cellular localization of this gap junction protein (PMID: 12111842). This variant alters a critical location within the protein, and is expected to severely affect function and cause disease. Computational tools predict that this variant is damaging.

Inherited Neuropathy Consortium
Classification: Uncertain significance for Charcot-Marie-Tooth disease. Review status: no assertion criteria provided. Collection method: literature only. Allele origin: germline. Affected: yes. Not counted in ClinVar's aggregate classification.

Literature cited by the submitters: PubMed 9187667 (cited by 4 submitters); PubMed 14960772 (cited by 4 submitters); PubMed 15719046 (cited by 4 submitters); PubMed 27027447 (cited by Labcorp Genetics (formerly Invitae), Labcorp and Athena Diagnostics); PubMed 27844031 (cited by 4 submitters); PubMed 28469099 (cited by 4 submitters); PubMed 12111842 (cited by 3 submitters); PubMed 11271367 (cited by Labcorp Genetics (formerly Invitae), Labcorp); PubMed 17100997 (cited by 4 submitters); PubMed 33136338 (cited by 3 submitters); PubMed 35936615 (cited by Natera, Inc.); PubMed 28448691 (cited by Natera, Inc. and Ambry Genetics); PubMed 12477701 (cited by 3 submitters); PubMed 10737979 (cited by 3 submitters); PubMed 1211842 (cited by Ambry Genetics); PubMed 31323543 (cited by Ambry Genetics); PubMed 32010055 (cited by Ambry Genetics and Athena Diagnostics).